The following is an entry in ClinVar:

NM_000419.5(ITGA2B):c.2534A>G (p.Tyr845Cys)

Gene: ITGA2B (integrin subunit alpha 2b; minus strand). Cytogenetic location: 17q21.31.
Variant type: single nucleotide variant.
Coding change: c.2534A>G on transcript NM_000419.5 (MANE Select); coding-DNA position 2534, A replaced by G.
Protein change: p.Tyr845Cys; replaces tyrosine 845 with cysteine.
Molecular consequence: missense variant.
Genome position (GRCh38, 1-based): chr17:44,375,900, T>C on the plus strand (A>G on the coding strand, the complement: ITGA2B is on the minus strand). VCF-style: chr17-44375900-T-C. GRCh37 (hg19) VCF-style: chr17-42453268-T-C.
Other names: short protein forms Y845C.
Identifiers: ClinVar variation 4747524 (VCV004747524.1).

ClinVar aggregate classification (germline): Uncertain significance (1 of 4 stars; one submission).

Conditions:
Glanzmann thrombasthenia. Also called: BLEEDING DISORDER, PLATELET-TYPE, 2; THROMBASTHENIA OF GLANZMANN AND NAEGELI; PLATELET GLYCOPROTEIN IIb-IIIa DEFICIENCY; Glanzmann's thrombasthenia; Thrombasthenia. Identifiers: Orphanet 849, MedGen C0040015, MONDO:0100326.

Submission:

Labcorp Genetics (formerly Invitae), Labcorp
Classification: Uncertain significance for Glanzmann thrombasthenia. Last evaluated: 2025-06-30. Review status: criteria provided, single submitter. Criteria: Invitae Variant Classification Sherloc (09022015). Collection method: clinical testing. Allele origin: germline.
Comment: This sequence change replaces tyrosine, which is neutral and polar, with cysteine, which is neutral and slightly polar, at codon 845 of the ITGA2B protein (p.Tyr845Cys). This variant is not present in population databases (gnomAD no frequency). This variant has not been reported in the literature in individuals affected with ITGA2B-related conditions. Invitae Evidence Modeling of protein sequence and biophysical properties (such as structural, functional, and spatial information, amino acid conservation, physicochemical variation, residue mobility, and thermodynamic stability) indicates that this missense variant is expected to disrupt ITGA2B protein function with a positive predictive value of 95%. In summary, the available evidence is currently insufficient to determine the role of this variant in disease. Therefore, it has been classified as a Variant of Uncertain Significance.